The following is an entry in ClinVar:

NM_198428.3(BBS9):c.1481G>C (p.Ser494Thr)

Gene: BBS9 (Bardet-Biedl syndrome 9; plus strand). Cytogenetic location: 7p14.3.
Variant type: single nucleotide variant.
Coding change: c.1481G>C on transcript NM_198428.3 (MANE Select); coding-DNA position 1481, G replaced by C.
Protein change: p.Ser494Thr; replaces serine 494 with threonine.
Molecular consequence: missense variant. On other transcripts: non-coding transcript variant (3), intron variant (5).
Genome position (GRCh38, 1-based): chr7:33,351,267, G>C. VCF-style: chr7-33351267-G-C. GRCh37 (hg19) VCF-style: chr7-33390879-G-C.
Other names: c.1481G>C, p.Ser494Thr (NM_001033605.2, NM_001348036.1, NM_001348041.4 and 2 more transcripts); c.1115G>C, p.Ser372Thr (NM_001348037.3, NM_001348045.3, NM_001348046.3); c.1208G>C, p.Ser403Thr (NM_001348038.3); c.1346G>C, p.Ser449Thr (NM_001348042.3); c.1160-1592G>C (NM_001348039.3); c.1433-1592G>C (NM_001033604.2); c.1432+2097G>C (NM_014451.4, NM_001348040.3); c.1067-1592G>C (NM_001348044.3); short protein forms S372T, S449T, S403T, S494T.
Identifiers: ClinVar variation 4996194 (VCV004996194.1).
Genomic context (GRCh38, chr7:33,351,267, plus strand): 5'-CATTGCTTATAGCACCAGATTTGACTAGAACAGTAAGCTTTTCTGTTTATCTGAAAAGAA[G>C]TTATACACCATCAGAATTGGAAGGAAATGCTGTTGTTTCTTATTCCAGACCAACAGGTAA-3'
Protein context (NP_940820.1, residues 484-504): TVSFSVYLKR[Ser494Thr]YTPSELEGNA

ClinVar aggregate classification (germline): Uncertain significance (1 of 4 stars; one submission).

Conditions:
BBS9-related disorder. Also called: BBS9-related condition.

Submission:

PreventionGenetics, part of Exact Sciences
Classification: Uncertain significance for BBS9-related condition. Last evaluated: 2025-12-10. Review status: criteria provided, single submitter. Criteria: ACMG Guidelines, 2015. Collection method: clinical testing. Allele origin: germline.
Comment: The BBS9 c.1481G>C variant is predicted to result in the amino acid substitution p.Ser494Thr. To our knowledge, this variant has not been reported in the literature or in a large population database (gnomAD), indicating this variant is rare. At this time, the clinical significance of this variant is uncertain due to the absence of conclusive functional and genetic evidence.